The following is an entry in ClinVar:

ClinVar aggregate classification (germline): Conflicting classifications of pathogenicity. Review status: criteria provided, conflicting classifications (1 of 4 stars). 5 submissions from 5 submitters: Uncertain significance (2); Likely benign (2). 1 of the submissions does not count toward it. Last evaluated 2026-01-14.

Conditions:
P3H1-related disorder. Also called: P3H1-related condition.
Osteogenesis imperfecta type 8 (OI8). Identifiers: MedGen C1970458, MONDO:0012581, OMIM 610915.
Inborn genetic diseases. Identifiers: MedGen C0950123, MeSH D030342.

Allele frequency attached by ClinVar (database versions not stated): ESP Exome Variant Server 0.00008; 1000 Genomes Project 30x 0.00016; 1000 Genomes Project 0.00020; TOPMed 0.00022; gnomAD exomes 0.00044 and 0.00052; gnomAD 0.00064 and 0.00065; ExAC 0.00098.
gnomAD v4.1: 727 of 1,598,444 alleles (0.045%); highest among the groups gnomAD compares: Non-Finnish European, 0.038%; 3 homozygotes.

Submissions (5):

Labcorp Genetics (formerly Invitae), Labcorp
Classification: Likely benign for Osteogenesis imperfecta type 8. Last evaluated: 2026-01-14. Review status: criteria provided, single submitter. Criteria: Invitae Variant Classification Sherloc (09022015). Collection method: clinical testing. Allele origin: germline.

Blueprint Genetics
Classification: Uncertain significance. Last evaluated: 2024-11-05. Review status: criteria provided, single submitter. Criteria: ACMG Guidelines, 2015. Collection method: clinical testing. Allele origin: germline.

Ambry Genetics
Classification: Uncertain significance for Inborn genetic diseases. Last evaluated: 2024-04-24. Review status: criteria provided, single submitter. Criteria: Ambry Variant Classification Scheme 2023. Collection method: clinical testing. Allele origin: germline.

GeneDx
Classification: Likely benign. Last evaluated: 2020-03-24. Review status: criteria provided, single submitter. Criteria: GeneDx Variant Classification Process June 2021. Collection method: clinical testing. Allele origin: germline. Affected: yes.

PreventionGenetics, part of Exact Sciences
Classification: Likely benign for P3H1-related condition. Last evaluated: 2023-06-07. Review status: no assertion criteria provided. Collection method: clinical testing. Allele origin: germline. Not counted in ClinVar's aggregate classification.
Comment: This variant is classified as likely benign based on ACMG/AMP sequence variant interpretation guidelines (Richards et al. 2015 PMID: 25741868, with internal and published modifications).

NM_022356.4(P3H1):c.194G>A (p.Arg65Gln)

Gene: P3H1 (prolyl 3-hydroxylase 1; minus strand). Cytogenetic location: 1p34.2.
Variant type: single nucleotide variant.
Coding change: c.194G>A on transcript NM_022356.4 (MANE Select); coding-DNA position 194, G replaced by A.
Protein change: p.Arg65Gln; replaces arginine 65 with glutamine.
Molecular consequence: missense variant.
Genome position (GRCh38, 1-based): chr1:42,766,778, C>T on the plus strand (G>A on the coding strand, the complement: P3H1 is on the minus strand). VCF-style: chr1-42766778-C-T. GRCh37 (hg19) VCF-style: chr1-43232449-C-T.
Other names: c.194G>A, p.Arg65Gln (NM_001146289.2, NM_001243246.2); short protein forms R65Q.
Identifiers: ClinVar variation 706066 (VCV000706066.18), dbSNP rs372710498, ClinGen allele CA802217.